The following is an entry in ClinVar:

ClinVar aggregate classification (germline): Uncertain significance (1 of 4 stars; one submission).

Submission:

GeneDx
Classification: Uncertain significance. Last evaluated: 2024-02-23. Review status: criteria provided, single submitter. Criteria: GeneDx Variant Classification Process June 2021. Collection method: clinical testing. Allele origin: germline. Affected: yes.
Comment: Not observed at significant frequency in large population cohorts (gnomAD); In-frame deletion of 4 amino acids and insertion of 11 amino acids in a non-repeat region; Has not been previously published as pathogenic or benign to our knowledge

NM_145690.3(YWHAZ):c.612_620delinsAGAGTTCATACAAAGACAGCACGCTTTGTA (p.Asp204_Ser207delinsGluGluPheIleGlnArgGlnHisAlaLeuTyr)

Gene: YWHAZ (tyrosine 3-monooxygenase/tryptophan 5-monooxygenase activation protein zeta; minus strand). Cytogenetic location: 8q22.3.
Variant type: Indel.
Coding change: c.612_620delinsAGAGTTCATACAAAGACAGCACGCTTTGTA on transcript NM_145690.3 (MANE Select); coding-DNA positions 612 to 620, TACATTAAG replaced by AGAGTTCATACAAAGACAGCACGCTTTGTA.
Protein change: p.Asp204_Ser207delinsGluGluPheIleGlnArgGlnHisAlaLeuTyr.
Molecular consequence: inframe indel.
Genome position (GRCh38, 1-based): chr8:100,924,013-100,924,021, CTTAATGTA replaced by TACAAAGCGTGCTGTCTTTGTATGAACTCT on the plus strand (TACATTAAG replaced by AGAGTTCATACAAAGACAGCACGCTTTGTA on the coding strand, the reverse complement: YWHAZ is on the minus strand). GRCh37 (hg19): chr8:101,936,241-101,936,249.
Other names: c.612_620delinsAGAGTTCATACAAAGACAGCACGCTTTGTA, p.Asp204_Ser207delinsGluGluPheIleGlnArgGlnHisAlaLeuTyr (NM_001135699.2, NM_001135700.2, NM_001135701.2 and 2 more transcripts).
Identifiers: ClinVar variation 3369713 (VCV003369713.1).